The following is an entry in ClinVar:

NM_000245.4(MET):c.1233_1236del (p.Arg412fs)

Gene: MET (MET proto-oncogene, receptor tyrosine kinase; plus strand). Cytogenetic location: 7q31.2.
Variant type: Microsatellite.
Coding change: c.1233_1236del on transcript NM_000245.4 (MANE Select); coding-DNA positions 1233 to 1236, 4 bases deleted (GCGC; older notation c.1233_1236delGCGC).
Protein change: p.Arg412fs; shifts the reading frame from arginine 412.
Molecular consequence: frameshift variant. On other transcripts: 5 prime UTR variant (1).
Genome position (GRCh38, 1-based): chr7:116,731,700-116,731,703, GCGC deleted; deleting any 4 consecutive bases within chr7:116,731,698-116,731,703 gives the same sequence; the c. name uses the placement nearest the transcript's 3' end. VCF-style (leftmost placement, unchanged base first): chr7-116731697-AGCGC-A. GRCh37 (hg19) VCF-style: chr7-116371751-AGCGC-A.
Other names: c.1233_1236del, p.Arg412fs (NM_001127500.3, NM_001324401.3); c.-60GC[1] (NM_001324402.2); short protein forms R412fs.
Identifiers: ClinVar variation 3723912 (VCV003723912.2).

ClinVar aggregate classification (germline): Uncertain significance (1 of 4 stars; one submission).

Conditions:
Renal cell carcinoma. Identifiers: Orphanet 217071, MedGen C0007134, MeSH D002292, MONDO:0005086, HP:0005584.

Submission:

Labcorp Genetics (formerly Invitae), Labcorp
Classification: Uncertain significance for Renal cell carcinoma. Last evaluated: 2024-10-28. Review status: criteria provided, single submitter. Criteria: Invitae Variant Classification Sherloc (09022015). Collection method: clinical testing. Allele origin: germline.
Comment: This sequence change creates a premature translational stop signal (p.Arg412Valfs*27) in the MET gene. It is expected to result in an absent or disrupted protein product. However, the current clinical and genetic evidence is not sufficient to establish whether loss-of-function variants in MET cause disease. This variant is not present in population databases (gnomAD no frequency). This variant has not been reported in the literature in individuals affected with MET-related conditions. In summary, the available evidence is currently insufficient to determine the role of this variant in disease. Therefore, it has been classified as a Variant of Uncertain Significance.